The following is an entry in ClinVar:

NM_000051.4(ATM):c.8130G>T (p.Lys2710Asn)

Genes: ATM (ATM serine/threonine kinase; plus strand), C11orf65 (chromosome 11 open reading frame 65; minus strand). Cytogenetic location: 11q22.3.
Variant type: single nucleotide variant.
Coding change: c.8130G>T on transcript NM_000051.4 (MANE Select); coding-DNA position 8130, G replaced by T.
Protein change: p.Lys2710Asn; replaces lysine 2710 with asparagine.
Molecular consequence: missense variant. On other transcripts: intron variant (2).
Genome position (GRCh38, 1-based): chr11:108,335,088, G>T. VCF-style: chr11-108335088-G-T. GRCh37 (hg19) VCF-style: chr11-108205815-G-T.
Other names: c.8130G>T, p.Lys2710Asn (NM_001351834.2); c.641-26017C>A (NM_001330368.2); c.*38+132C>A (NM_001351110.2); short protein forms K2710N.
Identifiers: ClinVar variation 1762137 (VCV001762137.3), dbSNP rs1320299978, ClinGen allele CA382562192.

ClinVar aggregate classification (germline): Uncertain significance. Review status: criteria provided, multiple submitters, no conflicts (2 of 4 stars). 3 submissions from 3 submitters: Uncertain significance (3). Last evaluated 2025-07-30.

Conditions:
Hereditary cancer-predisposing syndrome. Also called: Hereditary neoplastic syndrome; Neoplastic Syndromes, Hereditary; Tumor predisposition; Hereditary Cancer Syndrome. Identifiers: Orphanet 140162, MedGen C0027672, MeSH D009386, MONDO:0015356.
Ataxia-telangiectasia syndrome (AT). Also called: Ataxia telangiectasia (A-T); LOUIS-BAR SYNDROME; Cerebello-oculocutaneous telangiectasia; Immunodeficiency with ataxia telangiectasia; Ataxia-telangiectasia, complementation group D; AT, COMPLEMENTATION GROUP C. Identifiers: Orphanet 100, MedGen C0004135, MONDO:0008840, OMIM 208900.

Submissions (3):

Labcorp Genetics (formerly Invitae), Labcorp
Classification: Uncertain significance for Ataxia-telangiectasia syndrome. Last evaluated: 2025-07-30. Review status: criteria provided, single submitter. Criteria: Invitae Variant Classification Sherloc (09022015). Collection method: clinical testing. Allele origin: germline.
Comment: This sequence change replaces lysine, which is basic and polar, with asparagine, which is neutral and polar, at codon 2710 of the ATM protein (p.Lys2710Asn). This variant is not present in population databases (gnomAD no frequency). This variant has not been reported in the literature in individuals affected with ATM-related conditions. ClinVar contains an entry for this variant (Variation ID: 1762137). Invitae Evidence Modeling of protein sequence and biophysical properties (such as structural, functional, and spatial information, amino acid conservation, physicochemical variation, residue mobility, and thermodynamic stability) indicates that this missense variant is not expected to disrupt ATM protein function with a negative predictive value of 95%. In summary, the available evidence is currently insufficient to determine the role of this variant in disease. Therefore, it has been classified as a Variant of Uncertain Significance.

GeneDx
Classification: Uncertain significance. Last evaluated: 2023-03-15. Review status: criteria provided, single submitter. Criteria: GeneDx Variant Classification Process June 2021. Collection method: clinical testing. Allele origin: germline. Affected: yes.
Comment: Not observed at significant frequency in large population cohorts (gnomAD); In silico analysis supports that this missense variant does not alter protein structure/function; Has not been previously published as pathogenic or benign to our knowledge

Ambry Genetics
Classification: Uncertain significance for Hereditary cancer-predisposing syndrome. Last evaluated: 2021-09-23. Review status: criteria provided, single submitter. Criteria: Ambry Variant Classification Scheme 2023. Collection method: clinical testing. Allele origin: germline.
Comment: The p.K2710N variant (also known as c.8130G>T), located in coding exon 54 of the ATM gene, results from a G to T substitution at nucleotide position 8130. The lysine at codon 2710 is replaced by asparagine, an amino acid with similar properties. This amino acid position is conserved. In addition, this alteration is predicted to be tolerated by in silico analysis. Since supporting evidence is limited at this time, the clinical significance of this alteration remains unclear.